The following is an entry in ClinVar:

NM_020822.3(KCNT1):c.2430C>T (p.Ala810=)

Gene: KCNT1 (potassium sodium-activated channel subfamily T member 1; plus strand). Cytogenetic location: 9q34.3.
Variant type: single nucleotide variant.
Coding change: c.2430C>T on transcript NM_020822.3 (MANE Select); coding-DNA position 2430, C replaced by T.
Protein change: p.Ala810=; no amino-acid change (alanine 810 retained).
Molecular consequence: synonymous variant.
Genome position (GRCh38, 1-based): chr9:135,777,418, C>T. VCF-style: chr9-135777418-C-T. GRCh37 (hg19) VCF-style: chr9-138669264-C-T.
Other names: c.2295C>T, p.Ala765= (NM_001272003.2).
Identifiers: ClinVar variation 195618 (VCV000195618.44), dbSNP rs139114208, ClinGen allele CA201859.

ClinVar aggregate classification (germline): Benign/Likely benign. Review status: criteria provided, multiple submitters, no conflicts (2 of 4 stars). 9 submissions from 8 submitters: Benign (7); Likely benign (2). Last evaluated 2026-08-01.

Conditions:
Inborn genetic diseases. Identifiers: MedGen C0950123, MeSH D030342.
Autosomal dominant nocturnal frontal lobe epilepsy 5. Also called: KCNT1-Related Epilepsy; CILIARY DYSKINESIA, PRIMARY, 28, WITHOUT SITUS INVERSUS; CILIARY DYSKINESIA, PRIMARY, 28, WITH SITUS INVERSUS; Epilepsy, nocturnal frontal lobe, 5. Identifiers: Orphanet 98784, MedGen C3554306, MONDO:0014002, OMIM 615005.
Developmental and epileptic encephalopathy, 14 (DEE14). Also called: Early infantile epileptic encephalopathy 14. Identifiers: Orphanet 293181, MedGen C3554195, MONDO:0013989, OMIM 614959.

Allele frequency attached by ClinVar (database versions not stated): 1000 Genomes Project 30x 0.00047; 1000 Genomes Project 0.00060; TOPMed 0.00070; ESP Exome Variant Server 0.00092; gnomAD exomes 0.00143 and 0.00234; ExAC 0.00226; gnomAD 0.00231 and 0.00243.
gnomAD v4.1: 2,426 of 1,613,588 alleles (0.15%); highest among the groups gnomAD compares: Non-Finnish European, 0.11%; 18 homozygotes.

Submissions (9):

CeGaT Center for Human Genetics Tuebingen
Classification: Likely benign. Last evaluated: 2026-08-01. Review status: criteria provided, single submitter. Criteria: CeGaT Center For Human Genetics Tuebingen Variant Classification Criteria Version 2. Collection method: clinical testing. Allele origin: germline. Affected: yes. Observed: 30 variant alleles.
Comment: KCNT1: BP4, BP7

Labcorp Genetics (formerly Invitae), Labcorp
Classification: Benign for Autosomal dominant nocturnal frontal lobe epilepsy 5; Developmental and epileptic encephalopathy, 14. Last evaluated: 2026-01-12. Review status: criteria provided, single submitter. Criteria: Invitae Variant Classification Sherloc (09022015). Collection method: clinical testing. Allele origin: germline.

Blueprint Genetics
Classification: Likely benign. Last evaluated: 2024-11-25. Review status: criteria provided, single submitter. Criteria: ACMG Guidelines, 2015. Collection method: clinical testing. Allele origin: germline.

Genome-Nilou Lab
Classification: Benign for Developmental and epileptic encephalopathy, 14. Last evaluated: 2022-03-15. Review status: criteria provided, single submitter. Criteria: ACMG Guidelines, 2015. Collection method: clinical testing. Allele origin: germline. Affected: no.

Genome-Nilou Lab
Classification: Benign for Autosomal dominant nocturnal frontal lobe epilepsy 5. Last evaluated: 2022-03-15. Review status: criteria provided, single submitter. Criteria: ACMG Guidelines, 2015. Collection method: clinical testing. Allele origin: germline. Affected: no.

Ambry Genetics
Classification: Benign for Inborn genetic diseases. Last evaluated: 2018-03-09. Review status: criteria provided, single submitter. Criteria: Ambry Variant Classification Scheme 2023. Collection method: clinical testing. Allele origin: germline.

GeneDx
Classification: Benign. Last evaluated: 2017-04-06. Review status: criteria provided, single submitter. Criteria: GeneDx Variant Classification (06012015). Collection method: clinical testing. Allele origin: germline. Affected: yes.
Comment: This variant is considered likely benign or benign based on one or more of the following criteria: it is a conservative change, it occurs at a poorly conserved position in the protein, it is predicted to be benign by multiple in silico algorithms, and/or has population frequency not consistent with disease.

Eurofins Ntd Llc (ga)
Classification: Benign. Last evaluated: 2015-01-02. Review status: criteria provided, single submitter. Criteria: EGL Classification Definitions 2015. Collection method: clinical testing. Allele origin: germline. Observed: 1 variant allele, 1 heterozygote.

Breakthrough Genomics
Classification: Benign. Review status: criteria provided, single submitter. Criteria: ACMG Guidelines, 2015. Collection method: not provided. Allele origin: germline. Inheritance: Autosomal dominant inheritance. Affected: yes.